The following is an entry in ClinVar:

NM_015629.4(PRPF31):c.218dup (p.Gln74fs)

Gene: PRPF31 (pre-mRNA processing factor 31; plus strand). Cytogenetic location: 19q13.42.
Variant type: Duplication.
Coding change: c.218dup on transcript NM_015629.4 (MANE Select); coding-DNA position 218, one base duplicated (A; older notation c.218dupA).
Protein change: p.Gln74fs; shifts the reading frame from glutamine 74.
Molecular consequence: frameshift variant.
Genome position (GRCh38, 1-based): chr19:54,118,613, A duplicated; the last of 2 consecutive A bases (chr19:54,118,612-54,118,613); duplicating either gives the same sequence. VCF-style (leftmost placement, unchanged base first): chr19-54118611-C-CA. GRCh37 (hg19) VCF-style: chr19-54621991-C-CA.
Other names: short protein forms Q74fs.
Identifiers: ClinVar variation 2026510 (VCV002026510.4), dbSNP rs2516084081, ClinGen allele CA2580097767.

ClinVar aggregate classification (germline): Pathogenic (1 of 4 stars; one submission).

Submission:

Labcorp Genetics (formerly Invitae), Labcorp
Classification: Pathogenic. Last evaluated: 2023-06-13. Review status: criteria provided, single submitter. Criteria: Invitae Variant Classification Sherloc (09022015). Collection method: clinical testing. Allele origin: germline.
Comment: This sequence change creates a premature translational stop signal (p.Gln74Alafs*16) in the PRPF31 gene. It is expected to result in an absent or disrupted protein product. Loss-of-function variants in PRPF31 are known to be pathogenic (PMID: 18317597, 23950152). This variant is not present in population databases (gnomAD no frequency). This variant has not been reported in the literature in individuals affected with PRPF31-related conditions. ClinVar contains an entry for this variant (Variation ID: 2026510). For these reasons, this variant has been classified as Pathogenic.

Literature cited by the submitters: PubMed 18317597; PubMed 23950152.